The following is an entry in ClinVar:

NM_001162501.2(TNRC6B):c.1316G>A (p.Gly439Glu)

Gene: TNRC6B (trinucleotide repeat containing adaptor 6B; plus strand). Cytogenetic location: 22q13.1.
Variant type: single nucleotide variant.
Coding change: c.1316G>A on transcript NM_001162501.2 (MANE Select); coding-DNA position 1316, G replaced by A.
Protein change: p.Gly439Glu; replaces glycine 439 with glutamic acid.
Molecular consequence: missense variant. On other transcripts: intron variant (1).
Genome position (GRCh38, 1-based): chr22:40,265,546, G>A. VCF-style: chr22-40265546-G-A. GRCh37 (hg19) VCF-style: chr22-40661550-G-A.
Other names: c.1316G>A, p.Gly439Glu (NM_015088.3); c.565+3373G>A (NM_001024843.2); short protein forms G439E.
Identifiers: ClinVar variation 3809197 (VCV003809197.3).

ClinVar aggregate classification (germline): Uncertain significance. Review status: criteria provided, multiple submitters, no conflicts (2 of 4 stars). 2 submissions from 2 submitters: Uncertain significance (2). Last evaluated 2026-06-01.

Conditions:
Inborn genetic diseases. Identifiers: MedGen C0950123, MeSH D030342.

gnomAD v4.1: 4 of 1,613,778 alleles (0.00025%); highest among the groups gnomAD compares: Admixed American, 0.0017%; no homozygotes.

Submissions (2):

CeGaT Center for Human Genetics Tuebingen
Classification: Uncertain significance. Last evaluated: 2026-06-01. Review status: criteria provided, single submitter. Criteria: CeGaT Center For Human Genetics Tuebingen Variant Classification Criteria Version 2. Collection method: clinical testing. Allele origin: germline. Affected: yes. Observed: 1 variant allele.
Comment: TNRC6B: PM2:Supporting

Ambry Genetics
Classification: Uncertain significance for Inborn genetic diseases. Last evaluated: 2025-02-12. Review status: criteria provided, single submitter. Criteria: Ambry Variant Classification Scheme 2023. Collection method: clinical testing. Allele origin: germline.